The following is an entry in ClinVar:

NM_177438.3(DICER1):c.1371A>C (p.Leu457Phe)

Gene: DICER1 (dicer 1, ribonuclease III; minus strand). Cytogenetic location: 14q32.13.
Variant type: single nucleotide variant.
Coding change: c.1371A>C on transcript NM_177438.3 (MANE Select); coding-DNA position 1371, A replaced by C.
Protein change: p.Leu457Phe; replaces leucine 457 with phenylalanine.
Molecular consequence: missense variant. On other transcripts: 5 prime UTR variant (1), non-coding transcript variant (6).
Genome position (GRCh38, 1-based): chr14:95,124,201, T>G on the plus strand (A>C on the coding strand, the complement: DICER1 is on the minus strand). VCF-style: chr14-95124201-T-G. GRCh37 (hg19) VCF-style: chr14-95590538-T-G.
Other names: c.1371A>C, p.Leu457Phe (NM_001195573.1, NM_001271282.3, NM_001291628.2 and 15 more transcripts); c.1089A>C, p.Leu363Phe (NM_001395686.1); c.966A>C, p.Leu322Phe (NM_001395687.1, NM_001395688.1, NM_001395689.1 and 3 more transcripts); c.804A>C, p.Leu268Phe (NM_001395691.1); c.-198A>C (NM_001395697.1); short protein forms L268F, L457F, L363F, L322F.
Identifiers: ClinVar variation 2811093 (VCV002811093.3), dbSNP rs2543170509, ClinGen allele CA390886119.

ClinVar aggregate classification (germline): Uncertain significance (1 of 4 stars; one submission).

Conditions:
DICER1-related tumor predisposition. Also called: DICER1 syndrome; DICER1-related pleuropulmonary blastoma cancer predisposition syndrome. Identifiers: Orphanet 284343, MedGen C3839822, MONDO:0100216.

Submission:

Labcorp Genetics (formerly Invitae), Labcorp
Classification: Uncertain significance for DICER1-related tumor predisposition. Last evaluated: 2022-10-31. Review status: criteria provided, single submitter. Criteria: Invitae Variant Classification Sherloc (09022015). Collection method: clinical testing. Allele origin: germline.
Comment: Advanced modeling of protein sequence and biophysical properties (such as structural, functional, and spatial information, amino acid conservation, physicochemical variation, residue mobility, and thermodynamic stability) performed at Invitae indicates that this missense variant is expected to disrupt DICER1 protein function. This variant has not been reported in the literature in individuals affected with DICER1-related conditions. This variant is not present in population databases (gnomAD no frequency). This sequence change replaces leucine, which is neutral and non-polar, with phenylalanine, which is neutral and non-polar, at codon 457 of the DICER1 protein (p.Leu457Phe). Algorithms developed to predict the effect of sequence changes on RNA splicing suggest that this variant may create or strengthen a splice site. In summary, the available evidence is currently insufficient to determine the role of this variant in disease. Therefore, it has been classified as a Variant of Uncertain Significance.